The following is an entry in ClinVar:

NM_006662.3(SRCAP):c.3764C>T (p.Ala1255Val)

Gene: SRCAP (Snf2 related CREBBP activator protein; plus strand). Cytogenetic location: 16p11.2.
Variant type: single nucleotide variant.
Coding change: c.3764C>T on transcript NM_006662.3 (MANE Select); coding-DNA position 3764, C replaced by T.
Protein change: p.Ala1255Val; replaces alanine 1255 with valine.
Molecular consequence: missense variant.
Genome position (GRCh38, 1-based): chr16:30,722,620, C>T. VCF-style: chr16-30722620-C-T. GRCh37 (hg19) VCF-style: chr16-30733941-C-T.
Other names: short protein forms A1255V.
Identifiers: ClinVar variation 4539979 (VCV004539979.1).

ClinVar aggregate classification (germline): Uncertain significance (1 of 4 stars; one submission).

gnomAD v4.1: 2 of 1,614,132 alleles (0.00012%); highest among the groups gnomAD compares: Non-Finnish European, 0.00017%; no homozygotes.

Submission:

GeneDx
Classification: Uncertain significance. Last evaluated: 2025-06-27. Review status: criteria provided, single submitter. Criteria: GeneDx Variant Classification Process June 2021. Collection method: clinical testing. Allele origin: germline. Affected: yes.
Comment: Not observed at significant frequency in large population cohorts (gnomAD); In silico analysis suggests that this missense variant does not alter protein structure/function; Has not been previously published as pathogenic or benign to our knowledge